The following is an entry in ClinVar:

ClinVar aggregate classification (germline): Uncertain significance (1 of 4 stars; one submission).

Conditions:
Joubert syndrome. Also called: CEREBELLOPARENCHYMAL DISORDER IV; JOUBERT-BOLTSHAUSER SYNDROME; Familial aplasia of the vermis. Identifiers: Orphanet 475, MedGen C5979921, MONDO:0018772.
Orofaciodigital syndrome I (OFD1). Also called: OFDS I; Papillon-Leage and Psaume Syndrome; Oral-Facial-Digital Syndrome Type I. Identifiers: Orphanet 2750, MedGen C1510460, MONDO:0010702, OMIM 311200.

Submission:

Labcorp Genetics (formerly Invitae), Labcorp
Classification: Uncertain significance for Orofaciodigital syndrome I; Joubert syndrome. Last evaluated: 2025-08-18. Review status: criteria provided, single submitter. Criteria: Invitae Variant Classification Sherloc (09022015). Collection method: clinical testing. Allele origin: germline.
Comment: This sequence change replaces valine, which is neutral and non-polar, with alanine, which is neutral and non-polar, at codon 307 of the OFD1 protein (p.Val307Ala). This variant is not present in population databases (gnomAD no frequency). This variant has not been reported in the literature in individuals affected with OFD1-related conditions. ClinVar contains an entry for this variant (Variation ID: 3755014). Invitae Evidence Modeling of protein sequence and biophysical properties (such as structural, functional, and spatial information, amino acid conservation, physicochemical variation, residue mobility, and thermodynamic stability) has been performed for this missense variant. However, the output from this modeling did not meet the statistical confidence thresholds required to predict the impact of this variant on OFD1 protein function. In summary, the available evidence is currently insufficient to determine the role of this variant in disease. Therefore, it has been classified as a Variant of Uncertain Significance.

NM_003611.3(OFD1):c.920T>C (p.Val307Ala)

Gene: OFD1 (OFD1 centriole and centriolar satellite protein; plus strand). Cytogenetic location: Xp22.2.
Variant type: single nucleotide variant.
Coding change: c.920T>C on transcript NM_003611.3 (MANE Select); coding-DNA position 920, T replaced by C.
Protein change: p.Val307Ala; replaces valine 307 with alanine.
Molecular consequence: missense variant.
Genome position (GRCh38, 1-based): chrX:13,749,518, T>C. VCF-style: chrX-13749518-T-C. GRCh37 (hg19) VCF-style: chrX-13767637-T-C.
Other names: c.920T>C, p.Val307Ala (NM_001330209.2); c.500T>C, p.Val167Ala (NM_001330210.2); short protein forms V167A, V307A.
Identifiers: ClinVar variation 3755014 (VCV003755014.2).